The following is an entry in ClinVar:

NM_024079.5(ALG8):c.1212_1214delinsAA (p.Phe406_Leu407insTer)

Gene: ALG8 (ALG8 alpha-1,3-glucosyltransferase; minus strand). Cytogenetic location: 11q14.1.
Variant type: Indel.
Coding change: c.1212_1214delinsAA on transcript NM_024079.5 (MANE Select); coding-DNA positions 1212 to 1214, GAT replaced by AA.
Protein change: p.Phe406_Leu407insTer.
Molecular consequence: frameshift variant. On other transcripts: non-coding transcript variant (2), intron variant (2).
Genome position (GRCh38, 1-based): chr11:78,104,418-78,104,420, ATC replaced by TT on the plus strand (GAT replaced by AA on the coding strand, the reverse complement: ALG8 is on the minus strand). VCF-style: chr11-78104418-ATC-TT. GRCh37 (hg19) VCF-style: chr11-77815464-ATC-TT.
Other names: c.1212_1214delinsAA, p.Phe406_Leu407insTer (NM_001007027.3, NM_001425222.1, NM_001425229.1 and 2 more transcripts); c.1215_1217delinsAA, p.Phe407_Leu408insTer (NM_001425219.1); c.1197_1199delinsAA, p.Phe401_Leu402insTer (NM_001425220.1); c.1137_1139delinsAA, p.Phe381_Leu382insTer (NM_001425221.1); c.1206_1208delinsAA, p.Phe404_Leu405insTer (NM_001425223.1); c.1305_1307delinsAA, p.Phe437_Leu438insTer (NM_001425224.1); c.1260_1262delinsAA, p.Phe422_Leu423insTer (NM_001425225.1); c.1059_1061delinsAA, p.Phe355_Leu356insTer (NM_001425226.1, NM_001425236.1); and 11 more.
Identifiers: ClinVar variation 3350087 (VCV003350087.1).

ClinVar aggregate classification (germline): Pathogenic (0 of 4 stars; one submission).

Conditions:
ALG8-related disorder.

Submission:

PreventionGenetics, part of Exact Sciences
Classification: Pathogenic for ALG8-related condition. Last evaluated: 2024-03-25. Review status: no assertion criteria provided. Collection method: clinical testing. Allele origin: germline.
Comment: The ALG8 c.1212_1214delinsAA variant is predicted to result in premature protein termination (p.Leu407*). To our knowledge, this variant has not been reported in the literature or in a large population database, indicating this variant is rare. In a study of assessing the relationship between truncating ALG8 variants and polycystic kidney disease (PKD), individuals who are heterozygous for ALG8 pathogenic or likely pathogenic variants were shown to have increased risk of a mild (atypical) cystic kidney disease phenotype on imaging (Apple et al. 2023. PubMed ID: 36574950). Of note, the majority of loss-of-function variants in ALG8 have been reported in association with autosomal recessive congenital disorder of glycosylation (Human Gene Mutation Database). Nonsense variants in ALG8 are expected to be pathogenic. This variant is interpreted as pathogenic for autosomal recessive ALG8-related disorders. For autosomal dominant polycystic kidney-spectrum phenotype, however, it is currently uncertain since there is limited evidence to support the gene-disease relationship (ALG8 at ClinGen).